The following is an entry in ClinVar:

ClinVar aggregate classification (germline): Uncertain significance. Review status: criteria provided, multiple submitters, no conflicts (2 of 4 stars). 2 submissions from 2 submitters: Uncertain significance (2). Last evaluated 2025-04-15.

Conditions:
Inborn genetic diseases. Identifiers: MedGen C0950123, MeSH D030342.
Congenital myasthenic syndrome 8. Also called: MYASTHENIC SYNDROME, CONGENITAL, DUE TO AGRIN DEFICIENCY; Myasthenic syndrome, congenital, 8, with pre- and postsynaptic defects. Identifiers: Orphanet 590, MedGen C3808739, MONDO:0014052, OMIM 615120.

Allele frequency attached by ClinVar (database versions not stated): ExAC 0.00001; gnomAD exomes 0.00001; gnomAD 0.00002; TOPMed 0.00005.
gnomAD v4.1: 20 of 1,605,418 alleles (0.0012%); highest among the groups gnomAD compares: African/African-American, 0.004%; no homozygotes.

Submissions (2):

Ambry Genetics
Classification: Uncertain significance for Inborn genetic diseases. Last evaluated: 2025-04-15. Review status: criteria provided, single submitter. Criteria: Ambry Variant Classification Scheme 2023. Collection method: clinical testing. Allele origin: germline.

Labcorp Genetics (formerly Invitae), Labcorp
Classification: Uncertain significance for Congenital myasthenic syndrome 8. Last evaluated: 2025-01-27. Review status: criteria provided, single submitter. Criteria: Invitae Variant Classification Sherloc (09022015). Collection method: clinical testing. Allele origin: germline.
Comment: This sequence change replaces arginine, which is basic and polar, with glutamine, which is neutral and polar, at codon 1239 of the AGRN protein (p.Arg1239Gln). This variant is present in population databases (rs749783956, gnomAD 0.008%). This variant has not been reported in the literature in individuals affected with AGRN-related conditions. ClinVar contains an entry for this variant (Variation ID: 2041281). An algorithm developed to predict the effect of missense changes on protein structure and function outputs the following: PolyPhen-2: "Possibly Damaging". The glutamine amino acid residue is found in multiple mammalian species, which suggests that this missense change does not adversely affect protein function. In summary, the available evidence is currently insufficient to determine the role of this variant in disease. Therefore, it has been classified as a Variant of Uncertain Significance.

NM_198576.4(AGRN):c.3716G>A (p.Arg1239Gln)

Gene: AGRN (agrin; plus strand). Cytogenetic location: 1p36.33.
Variant type: single nucleotide variant.
Coding change: c.3716G>A on transcript NM_198576.4 (MANE Select); coding-DNA position 3716, G replaced by A.
Protein change: p.Arg1239Gln; replaces arginine 1239 with glutamine.
Molecular consequence: missense variant.
Genome position (GRCh38, 1-based): chr1:1,047,860, G>A. VCF-style: chr1-1047860-G-A. GRCh37 (hg19) VCF-style: chr1-983240-G-A.
Other names: c.3716G>A, p.Arg1239Gln (NM_001305275.2); c.3401G>A, p.Arg1134Gln (NM_001364727.2); short protein forms R1134Q, R1239Q.
Identifiers: ClinVar variation 2041281 (VCV002041281.6), dbSNP rs749783956, ClinGen allele CA509196.